The following is an entry in ClinVar:

ClinVar aggregate classification (germline): Uncertain significance. Review status: criteria provided, multiple submitters, no conflicts (2 of 4 stars). 2 submissions from 2 submitters: Uncertain significance (2). Last evaluated 2024-01-09.

Allele frequency attached by ClinVar (database versions not stated): gnomAD 0.00001; TOPMed 0.00001; ExAC 0.00005.
gnomAD v4.1: 15 of 1,604,320 alleles (0.00093%); highest among the groups gnomAD compares: South Asian, 0.0022%; no homozygotes.

Submissions (2):

Blueprint Genetics
Classification: Uncertain significance. Last evaluated: 2024-01-09. Review status: criteria provided, single submitter. Criteria: ACMG Guidelines, 2015. Collection method: clinical testing. Allele origin: germline.

Labcorp Genetics (formerly Invitae), Labcorp
Classification: Uncertain significance. Last evaluated: 2022-08-15. Review status: criteria provided, single submitter. Criteria: Invitae Variant Classification Sherloc (09022015). Collection method: clinical testing. Allele origin: germline.
Comment: This sequence change replaces arginine, which is basic and polar, with glutamine, which is neutral and polar, at codon 2325 of the CACNA1B protein (p.Arg2325Gln). This variant is present in population databases (rs767110355, gnomAD 0.007%). This variant has not been reported in the literature in individuals affected with CACNA1B-related conditions. Advanced modeling of protein sequence and biophysical properties (such as structural, functional, and spatial information, amino acid conservation, physicochemical variation, residue mobility, and thermodynamic stability) performed at Invitae indicates that this missense variant is not expected to disrupt CACNA1B protein function. In summary, the available evidence is currently insufficient to determine the role of this variant in disease. Therefore, it has been classified as a Variant of Uncertain Significance.

NM_000718.4(CACNA1B):c.6974G>A (p.Arg2325Gln)

Gene: CACNA1B (calcium voltage-gated channel subunit alpha1 B; plus strand). Cytogenetic location: 9q34.3.
Variant type: single nucleotide variant.
Coding change: c.6974G>A on transcript NM_000718.4 (MANE Select); coding-DNA position 6974, G replaced by A.
Protein change: p.Arg2325Gln; replaces arginine 2325 with glutamine.
Molecular consequence: missense variant. On other transcripts: 3 prime UTR variant (1).
Genome position (GRCh38, 1-based): chr9:138,121,953, G>A. VCF-style: chr9-138121953-G-A. GRCh37 (hg19) VCF-style: chr9-141016405-G-A.
Other names: c.*73G>A (NM_001243812.2); short protein forms R2325Q.
Identifiers: ClinVar variation 1910750 (VCV001910750.3), dbSNP rs767110355, ClinGen allele CA5377854.